The following is an entry in ClinVar:

ClinVar aggregate classification (germline): Conflicting classifications of pathogenicity. Review status: criteria provided, conflicting classifications (1 of 4 stars). 2 submissions from 2 submitters: Likely pathogenic (1); Uncertain significance (1). Last evaluated 2022-04-06.

Conditions:
Autosomal recessive inherited pseudoxanthoma elasticum (PXE). Identifiers: Orphanet 758, MedGen CN032334, MONDO:0009925, OMIM 264800.

Allele frequency attached by ClinVar (database versions not stated): gnomAD exomes 0.00001 and 0.00003; TOPMed 0.00002; gnomAD 0.00001.
gnomAD v4.1: 45 of 1,612,444 alleles (0.0028%); highest among the groups gnomAD compares: Middle Eastern, 0.016%; no homozygotes.

Submissions (2):

Labcorp Genetics (formerly Invitae), Labcorp
Classification: Uncertain significance. Last evaluated: 2022-04-06. Review status: criteria provided, single submitter. Criteria: Invitae Variant Classification Sherloc (09022015). Collection method: clinical testing. Allele origin: germline.
Comment: This sequence change replaces isoleucine, which is neutral and non-polar, with threonine, which is neutral and polar, at codon 1342 of the ABCC6 protein (p.Ile1342Thr). This variant is present in population databases (rs63750608, gnomAD 0.002%). This missense change has been observed in individual(s) with pseudoxanthoma elasticum (PMID: 17617515, 26029710). ClinVar contains an entry for this variant (Variation ID: 433345). Algorithms developed to predict the effect of missense changes on protein structure and function are either unavailable or do not agree on the potential impact of this missense change (SIFT: "Deleterious"; PolyPhen-2: "Possibly Damaging"; Align-GVGD: "Class C0"). In summary, the available evidence is currently insufficient to determine the role of this variant in disease. Therefore, it has been classified as a Variant of Uncertain Significance.

PXE International
Classification: Likely pathogenic for Autosomal recessive inherited pseudoxanthoma elasticum. Last evaluated: 2021-02-17. Review status: criteria provided, single submitter. Criteria: Submitter's publication. Collection method: research. Allele origin: germline. Inheritance: Autosomal recessive inheritance. Affected: yes. Observed: 2 variant alleles.

Literature cited by the submitters: PubMed 17617515 (cited by Labcorp Genetics (formerly Invitae), Labcorp); PubMed 26029710 (cited by Labcorp Genetics (formerly Invitae), Labcorp); PubMed 32873932 (cited by PXE International).

NM_001171.6(ABCC6):c.4025T>C (p.Ile1342Thr)

Gene: ABCC6 (ATP binding cassette subfamily C member 6; minus strand). Cytogenetic location: 16p13.11.
Variant type: single nucleotide variant.
Coding change: c.4025T>C on transcript NM_001171.6 (MANE Select); coding-DNA position 4025, T replaced by C.
Protein change: p.Ile1342Thr; replaces isoleucine 1342 with threonine.
Molecular consequence: missense variant. On other transcripts: non-coding transcript variant (1).
Genome position (GRCh38, 1-based): chr16:16,154,889, A>G on the plus strand (T>C on the coding strand, the complement: ABCC6 is on the minus strand). VCF-style: chr16-16154889-A-G. GRCh37 (hg19) VCF-style: chr16-16248746-A-G.
Other names: c.3683T>C, p.Ile1228Thr (NM_001351800.1); short protein forms I1342T, I1228T.
Identifiers: ClinVar variation 433345 (VCV000433345.5), dbSNP rs63750608, ClinGen allele CA278625336.